The following is an entry in ClinVar:

ClinVar aggregate classification (germline): Uncertain significance. Review status: criteria provided, multiple submitters, no conflicts (2 of 4 stars). 2 submissions from 2 submitters: Uncertain significance (2). Last evaluated 2025-10-18.

Conditions:
Inborn genetic diseases. Identifiers: MedGen C0950123, MeSH D030342.
Congenital myopathy with internal nuclei and atypical cores. Also called: Myopathy, centronuclear, 4. Identifiers: Orphanet 319160, MedGen C4707232, MONDO:0013890, OMIM 614807.

Submissions (2):

Labcorp Genetics (formerly Invitae), Labcorp
Classification: Uncertain significance for Congenital myopathy with internal nuclei and atypical cores. Last evaluated: 2025-10-18. Review status: criteria provided, single submitter. Criteria: Invitae Variant Classification Sherloc (09022015). Collection method: clinical testing. Allele origin: germline.
Comment: This sequence change replaces phenylalanine, which is neutral and non-polar, with serine, which is neutral and polar, at codon 395 of the CCDC78 protein (p.Phe395Ser). This variant is not present in population databases (gnomAD no frequency). This variant has not been reported in the literature in individuals affected with CCDC78-related conditions. ClinVar contains an entry for this variant (Variation ID: 3691977). Invitae Evidence Modeling of protein sequence and biophysical properties (such as structural, functional, and spatial information, amino acid conservation, physicochemical variation, residue mobility, and thermodynamic stability) indicates that this missense variant is not expected to disrupt CCDC78 protein function with a negative predictive value of 80%. In summary, the available evidence is currently insufficient to determine the role of this variant in disease. Therefore, it has been classified as a Variant of Uncertain Significance.

Ambry Genetics
Classification: Uncertain significance for Inborn genetic diseases. Last evaluated: 2025-05-19. Review status: criteria provided, single submitter. Criteria: Ambry Variant Classification Scheme 2023. Collection method: clinical testing. Allele origin: germline.

NM_001378030.1(CCDC78):c.1184T>C (p.Phe395Ser)

Gene: CCDC78 (coiled-coil domain containing 78; minus strand). Cytogenetic location: 16p13.3.
Variant type: single nucleotide variant.
Coding change: c.1184T>C on transcript NM_001378030.1 (MANE Select); coding-DNA position 1184, T replaced by C.
Protein change: p.Phe395Ser; replaces phenylalanine 395 with serine.
Molecular consequence: missense variant. On other transcripts: non-coding transcript variant (5).
Genome position (GRCh38, 1-based): chr16:723,111, A>G on the plus strand (T>C on the coding strand, the complement: CCDC78 is on the minus strand). VCF-style: chr16-723111-A-G. GRCh37 (hg19) VCF-style: chr16-773111-A-G.
Other names: c.1184T>C (NM_001031737.2); c.1184T>C, p.Phe395Ser (NM_001031737.3); c.1004T>C, p.Phe335Ser (NM_001378031.1); c.617T>C, p.Phe206Ser (NM_001378033.1); short protein forms F206S, F335S, F395S.
Identifiers: ClinVar variation 3691977 (VCV003691977.3).